The following is an entry in ClinVar:

ClinVar aggregate classification (germline): Uncertain significance. Review status: criteria provided, multiple submitters, no conflicts (2 of 4 stars). 2 submissions from 2 submitters: Uncertain significance (2). Last evaluated 2025-03-08.

gnomAD v4.1: 5 of 1,544,034 alleles (0.00032%); highest among the groups gnomAD compares: East Asian, 0.013%; no homozygotes.

Submissions (2):

Ambry Genetics
Classification: Uncertain significance. Last evaluated: 2025-03-08. Review status: criteria provided, single submitter. Criteria: Ambry Variant Classification Scheme 2023. Collection method: clinical testing. Allele origin: germline.

Labcorp Genetics (formerly Invitae), Labcorp
Classification: Uncertain significance. Last evaluated: 2024-10-22. Review status: criteria provided, single submitter. Criteria: Invitae Variant Classification Sherloc (09022015). Collection method: clinical testing. Allele origin: germline.
Comment: This sequence change replaces glycine, which is neutral and non-polar, with valine, which is neutral and non-polar, at codon 6 of the TCTEX1D2 protein (p.Gly6Val). The frequency data for this variant in the population databases is considered unreliable, as metrics indicate poor data quality at this position in the gnomAD database. This variant has not been reported in the literature in individuals affected with TCTEX1D2-related conditions. An algorithm developed to predict the effect of missense changes on protein structure and function (PolyPhen-2) suggests that this variant is likely to be tolerated. In summary, the available evidence is currently insufficient to determine the role of this variant in disease. Therefore, it has been classified as a Variant of Uncertain Significance.

NM_152773.5(DYNLT2B):c.17G>T (p.Gly6Val)

Genes: DYNLT2B (dynein light chain Tctex-type 2B; minus strand), TM4SF19-DYNLT2B (TM4SF19-DYNLT2B readthrough (NMD candidate); minus strand), LOC129938285 (ATAC-STARR-seq lymphoblastoid active region 21087; plus strand). Cytogenetic location: 3q29.
Variant type: single nucleotide variant.
Coding change: c.17G>T on transcript NM_152773.5 (MANE Select); coding-DNA position 17, G replaced by T.
Protein change: p.Gly6Val; replaces glycine 6 with valine.
Molecular consequence: missense variant.
Genome position (GRCh38, 1-based): chr3:196,318,136, C>A on the plus strand (G>T on the coding strand, the complement: DYNLT2B is on the minus strand). VCF-style: chr3-196318136-C-A. GRCh37 (hg19) VCF-style: chr3-196045007-C-A.
Other names: c.17G>T, p.Gly6Val (NM_001351628.2); c.17G>T (NM_152773.4); short protein forms G6V.
Identifiers: ClinVar variation 3609189 (VCV003609189.3).
Genomic context (GRCh38, chr3:196,318,136, plus strand): 5'-TCGGGCTCCCCTGCGTTCTTCTCAGCCTCAGGCACCCCGTCGCCCACCGAGAAGGACACT[C>A]CGATGGACGTGGCCATGCCGGGGCTTCTCGGTCCGGGCGTAGCTCGCGATGAAGGCCTAG-3'
Protein context (NP_689986.2, residues 1-16): MATSI[Gly6Val]VSFSVGDGVP